The following is an entry in ClinVar:

NC_000003.11:g.(?_136016774)_(136016934_?)del

Gene: PCCB (propionyl-CoA carboxylase subunit beta; plus strand). Cytogenetic location: 3q22.3.
Variant type: Deletion.
Identifiers: ClinVar variation 2423239 (VCV002423239.4).

ClinVar aggregate classification (germline): Pathogenic (1 of 4 stars; one submission).

Conditions:
Propionic acidemia (PROP). Also called: GLYCINEMIA, KETOTIC; HYPERGLYCINEMIA WITH KETOACIDOSIS AND LEUKOPENIA; KETOTIC HYPERGLYCINEMIA. Identifiers: Orphanet 35, MedGen C0268579, MONDO:0011628, OMIM 606054, HP:0003571.

Submission:

Labcorp Genetics (formerly Invitae), Labcorp
Classification: Pathogenic for Propionic acidemia. Last evaluated: 2023-11-24. Review status: criteria provided, single submitter. Criteria: Invitae Variant Classification Sherloc (09022015). Collection method: clinical testing. Allele origin: germline.
Comment: This variant is a gross deletion of the genomic region encompassing exon(s) 8 of the PCCB gene. This deletion is out-of-frame, and is expected to create a premature termination codon and result in an absent or disrupted protein product. Loss-of-function variants in PCCB are known to be pathogenic (PMID: 15464417). A similar copy number variant has been observed in individual(s) with propionic acidemia (PMID: 31808324). For these reasons, this variant has been classified as Pathogenic.

Literature cited by the submitters: PubMed 15464417; PubMed 31808324.